The following is an entry in ClinVar:

NM_014845.6(FIG4):c.557del (p.Leu186fs)

Gene: FIG4 (FIG4 phosphoinositide 5-phosphatase; plus strand). Cytogenetic location: 6q21.
Variant type: Deletion.
Coding change: c.557del on transcript NM_014845.6 (MANE Select); coding-DNA position 557, one base deleted (T; older notation c.557delT).
Protein change: p.Leu186fs; shifts the reading frame from leucine 186.
Molecular consequence: frameshift variant.
Genome position (GRCh38, 1-based): chr6:109,735,209, T deleted. VCF-style (leftmost placement, unchanged base first): chr6-109735208-CT-C. GRCh37 (hg19) VCF-style: chr6-110056411-CT-C.
Other names: short protein forms L186fs.
Identifiers: ClinVar variation 1996895 (VCV001996895.4), dbSNP rs768939677, ClinGen allele CA3955838.

ClinVar aggregate classification (germline): Pathogenic (1 of 4 stars; one submission).

Conditions:
Charcot-Marie-Tooth disease type 4. Also called: Charcot-Marie-Tooth, Type 4; Charcot-Marie-Tooth disease, type IV. Identifiers: Orphanet 64749, MedGen C4082197, MONDO:0018995.

Allele frequency attached by ClinVar (database versions not stated): gnomAD exomes below 0.00001; ExAC 0.00001.

Submission:

Labcorp Genetics (formerly Invitae), Labcorp
Classification: Pathogenic for Charcot-Marie-Tooth disease type 4. Last evaluated: 2022-05-20. Review status: criteria provided, single submitter. Criteria: Invitae Variant Classification Sherloc (09022015). Collection method: clinical testing. Allele origin: germline.
Comment: This sequence change creates a premature translational stop signal (p.Leu186Argfs*4) in the FIG4 gene. It is expected to result in an absent or disrupted protein product. Loss-of-function variants in FIG4 are known to be pathogenic (PMID: 23623387). For these reasons, this variant has been classified as Pathogenic. This variant has not been reported in the literature in individuals affected with FIG4-related conditions. This variant is present in population databases (rs768939677, gnomAD 0.0009%).

Literature cited by the submitters: PubMed 23623387.